The following is an entry in ClinVar:

ClinVar aggregate classification (germline): Uncertain significance. Review status: criteria provided, multiple submitters, no conflicts (2 of 4 stars). 2 submissions from 2 submitters: Uncertain significance (2). Last evaluated 2025-04-30.

Conditions:
Hereditary cancer-predisposing syndrome. Also called: Tumor predisposition; Neoplastic Syndromes, Hereditary; Hereditary Cancer Syndrome; Hereditary neoplastic syndrome. Identifiers: Orphanet 140162, MedGen C0027672, MeSH D009386, MONDO:0015356.
Multiple endocrine neoplasia type 4. Also called: MULTIPLE ENDOCRINE NEOPLASIA, TYPE IV. Identifiers: Orphanet 276152, MedGen C1970712, MONDO:0012552, OMIM 610755.

Allele frequency attached by ClinVar (database versions not stated): gnomAD exomes below 0.00001.

Submissions (2):

Labcorp Genetics (formerly Invitae), Labcorp
Classification: Uncertain significance for Multiple endocrine neoplasia type 4. Last evaluated: 2025-04-30. Review status: criteria provided, single submitter. Criteria: Invitae Variant Classification Sherloc (09022015). Collection method: clinical testing. Allele origin: germline.
Comment: This sequence change replaces proline, which is neutral and non-polar, with serine, which is neutral and polar, at codon 179 of the CDKN1B protein (p.Pro179Ser). This variant is not present in population databases (gnomAD no frequency). This variant has not been reported in the literature in individuals affected with CDKN1B-related conditions. ClinVar contains an entry for this variant (Variation ID: 2624682). An algorithm developed to predict the effect of missense changes on protein structure and function (PolyPhen-2) suggests that this variant is likely to be disruptive. In summary, the available evidence is currently insufficient to determine the role of this variant in disease. Therefore, it has been classified as a Variant of Uncertain Significance.

Ambry Genetics
Classification: Uncertain significance for Hereditary cancer-predisposing syndrome. Last evaluated: 2023-07-27. Review status: criteria provided, single submitter. Criteria: Ambry Variant Classification Scheme 2023. Collection method: clinical testing. Allele origin: germline.
Comment: The p.P179S variant (also known as c.535C>T), located in coding exon 2 of the CDKN1B gene, results from a C to T substitution at nucleotide position 535. The proline at codon 179 is replaced by serine, an amino acid with similar properties. This amino acid position is conserved. In addition, the in silico prediction for this alteration is inconclusive. Since supporting evidence is limited at this time, the clinical significance of this alteration remains unclear.

NM_004064.5(CDKN1B):c.535C>T (p.Pro179Ser)

Gene: CDKN1B (cyclin dependent kinase inhibitor 1B; plus strand). Cytogenetic location: 12p13.1.
Variant type: single nucleotide variant.
Coding change: c.535C>T on transcript NM_004064.5 (MANE Select); coding-DNA position 535, C replaced by T.
Protein change: p.Pro179Ser; replaces proline 179 with serine.
Molecular consequence: missense variant.
Genome position (GRCh38, 1-based): chr12:12,718,884, C>T. VCF-style: chr12-12718884-C-T. GRCh37 (hg19) VCF-style: chr12-12871818-C-T.
Other names: short protein forms P179S.
Identifiers: ClinVar variation 2624682 (VCV002624682.3), dbSNP rs2136357379, ClinGen allele CA383973010.